The following is an entry in ClinVar:

NM_017570.5(OPLAH):c.209A>C (p.Asp70Ala)

Gene: OPLAH (5-oxoprolinase, ATP-hydrolysing; minus strand). Cytogenetic location: 8q24.3.
Variant type: single nucleotide variant.
Coding change: c.209A>C on transcript NM_017570.5 (MANE Select); coding-DNA position 209, A replaced by C.
Protein change: p.Asp70Ala; replaces aspartic acid 70 with alanine.
Molecular consequence: missense variant.
Genome position (GRCh38, 1-based): chr8:144,059,753, T>G on the plus strand (A>C on the coding strand, the complement: OPLAH is on the minus strand). VCF-style: chr8-144059753-T-G. GRCh37 (hg19) VCF-style: chr8-145114656-T-G.
Other names: c.209A>C (NM_017570.3); short protein forms D70A.
Identifiers: ClinVar variation 1387178 (VCV001387178.8), dbSNP rs371222393, ClinGen allele CA4932356.

ClinVar aggregate classification (germline): Uncertain significance. Review status: criteria provided, multiple submitters, no conflicts (2 of 4 stars). 2 submissions from 2 submitters: Uncertain significance (2). Last evaluated 2024-01-23.

Conditions:
5-Oxoprolinase deficiency (OPLAHD). Also called: 5-OXOPROLINURIA DUE TO 5-OXOPROLINASE DEFICIENCY. Identifiers: Orphanet 33572, MedGen C0268525, MONDO:0009825, OMIM 260005, HP:0040142.

Allele frequency attached by ClinVar (database versions not stated): gnomAD exomes 0.00002 and 0.00003; ExAC 0.00007; ESP Exome Variant Server 0.00008; gnomAD 0.00012; 1000 Genomes Project 30x 0.00016; TOPMed 0.00019; 1000 Genomes Project 0.00020.
gnomAD v4.1: 41 of 1,609,706 alleles (0.0025%); highest among the groups gnomAD compares: African/African-American, 0.048%; no homozygotes.

Submissions (2):

Ambry Genetics
Classification: Uncertain significance. Last evaluated: 2024-01-23. Review status: criteria provided, single submitter. Criteria: Ambry Variant Classification Scheme 2023. Collection method: clinical testing. Allele origin: germline.

Labcorp Genetics (formerly Invitae), Labcorp
Classification: Uncertain significance for 5-Oxoprolinase deficiency. Last evaluated: 2022-07-19. Review status: criteria provided, single submitter. Criteria: Invitae Variant Classification Sherloc (09022015). Collection method: clinical testing. Allele origin: germline.
Comment: This sequence change replaces aspartic acid, which is acidic and polar, with alanine, which is neutral and non-polar, at codon 70 of the OPLAH protein (p.Asp70Ala). In summary, the available evidence is currently insufficient to determine the role of this variant in disease. Therefore, it has been classified as a Variant of Uncertain Significance. Algorithms developed to predict the effect of missense changes on protein structure and function are either unavailable or do not agree on the potential impact of this missense change (SIFT: "Not Available"; PolyPhen-2: "Possibly Damaging"; Align-GVGD: "Not Available"). ClinVar contains an entry for this variant (Variation ID: 1387178). This variant has not been reported in the literature in individuals affected with OPLAH-related conditions. This variant is present in population databases (rs371222393, gnomAD 0.04%).